The following is an entry in ClinVar:

NM_002890.3(RASA1):c.2155C>A (p.Pro719Thr)

Genes: CCNH (cyclin H; minus strand), RASA1 (RAS p21 protein activator 1; plus strand). Cytogenetic location: 5q14.3.
Variant type: single nucleotide variant.
Coding change: c.2155C>A on transcript NM_002890.3 (MANE Select); coding-DNA position 2155, C replaced by A.
Protein change: p.Pro719Thr; replaces proline 719 with threonine.
Molecular consequence: missense variant. On other transcripts: intron variant (1).
Genome position (GRCh38, 1-based): chr5:87,376,536, C>A. VCF-style: chr5-87376536-C-A. GRCh37 (hg19) VCF-style: chr5-86672353-C-A.
Other names: c.1624C>A, p.Pro542Thr (NM_022650.3); c.933+18508G>T (NM_001364075.2); short protein forms P719T, P542T.
Identifiers: ClinVar variation 2764769 (VCV002764769.3), dbSNP rs2531347946, ClinGen allele CA360379417.

ClinVar aggregate classification (germline): Uncertain significance (1 of 4 stars; one submission).

Conditions:
Capillary malformation-arteriovenous malformation syndrome. Also called: Capillary malformation-arteriovenous malformation. Identifiers: Orphanet 137667, MedGen C1842180, MONDO:0012016.

Allele frequency attached by ClinVar (database versions not stated): gnomAD exomes below 0.00001.
gnomAD v4.1: 2 of 1,613,786 alleles (0.00012%); highest among the groups gnomAD compares: Non-Finnish European, 0.00017%; no homozygotes.

Submission:

Labcorp Genetics (formerly Invitae), Labcorp
Classification: Uncertain significance for Capillary malformation-arteriovenous malformation syndrome. Last evaluated: 2024-10-15. Review status: criteria provided, single submitter. Criteria: Invitae Variant Classification Sherloc (09022015). Collection method: clinical testing. Allele origin: germline.
Comment: This sequence change replaces proline, which is neutral and non-polar, with threonine, which is neutral and polar, at codon 719 of the RASA1 protein (p.Pro719Thr). This variant is not present in population databases (gnomAD no frequency). This variant has not been reported in the literature in individuals affected with RASA1-related conditions. An algorithm developed to predict the effect of missense changes on protein structure and function (PolyPhen-2) suggests that this variant is likely to be disruptive. In summary, the available evidence is currently insufficient to determine the role of this variant in disease. Therefore, it has been classified as a Variant of Uncertain Significance.